The following is an entry in ClinVar:

NC_000020.10:g.(?_5081437)_(5093674_?)dup

Gene: TMEM230 (transmembrane protein 230; minus strand). Cytogenetic location: 20p13.
Variant type: Duplication.
Identifiers: ClinVar variation 2423461 (VCV002423461.4).

ClinVar aggregate classification (germline): Uncertain significance (1 of 4 stars; one submission).

Submission:

Labcorp Genetics (formerly Invitae), Labcorp
Classification: Uncertain significance. Last evaluated: 2022-08-09. Review status: criteria provided, single submitter. Criteria: Invitae Variant Classification Sherloc (09022015). Collection method: clinical testing. Allele origin: germline.
Comment: A copy number gain of the genomic region encompassing the full coding sequence of the TMEM230 gene has been identified. The boundaries of this event are unknown as they extend beyond the assayed region for this gene and therefore may encompass additional genes. As the precise location of this event is unknown, it may be in tandem or it may be located elsewhere in the genome. This variant has not been reported in the literature in individuals affected with TMEM230-related conditions. In summary, the available evidence is currently insufficient to determine the role of this variant in disease. Therefore, it has been classified as a Variant of Uncertain Significance.